The following is an entry in ClinVar:

NM_007294.4(BRCA1):c.998C>T (p.Thr333Ile)

Gene: BRCA1 (BRCA1 DNA repair associated; minus strand). Cytogenetic location: 17q21.31.
Variant type: single nucleotide variant.
Coding change: c.998C>T on transcript NM_007294.4 (MANE Select); coding-DNA position 998, C replaced by T.
Protein change: p.Thr333Ile; replaces threonine 333 with isoleucine.
Molecular consequence: missense variant. On other transcripts: intron variant (137).
Genome position (GRCh38, 1-based): chr17:43,094,533, G>A on the plus strand (C>T on the coding strand, the complement: BRCA1 is on the minus strand). VCF-style: chr17-43094533-G-A. GRCh37 (hg19) VCF-style: chr17-41246550-G-A.
Other names: 1117C>T; c.662C>T, p.Thr221Ile (NM_001407956.1, NM_001407958.1, NM_001407954.1 and 1 more transcripts); c.665C>T, p.Thr222Ile (NM_001407957.1, NM_001407946.1, NM_001407947.1 and 6 more transcripts); c.617C>T, p.Thr206Ile (NM_001407959.1, NM_001407960.1, NM_001407963.1); c.614C>T, p.Thr205Ile (NM_001407962.1); c.854C>T, p.Thr285Ile (NM_001407964.1, NM_001407745.1, NM_001407746.1 and 20 more transcripts); c.494C>T, p.Thr165Ile (NM_001407965.1); c.785C>T, p.Thr262Ile (NM_001407571.1, NM_001407853.1, NM_001407894.1 and 9 more transcripts); and 41 more; short protein forms T333I, T286I, T222I, T244I, T266I, T291I, T306I, T165I.
Identifiers: ClinVar variation 96957 (VCV000096957.11), dbSNP rs431825420, ClinGen allele CA004008.
Genomic context (GRCh38, chr17:43,094,533, plus strand): 5'-CATTCTTTTCTCTCACACAGGGGATCAGCATTCAGATCTACCTTTTTTTCTGTGCTGGGA[G>A]TCCGCCTATCATTACATGTTTCCTTACTTCCAGCCCATCTGTTATGTTGGCTCCTTGCTA-3'
Protein context (NP_009225.1, residues 323-343): GSKETCNDRR[Thr333Ile]PSTEKKVDLN

ClinVar aggregate classification (germline): Conflicting classifications of pathogenicity. Review status: criteria provided, conflicting classifications (1 of 4 stars). 4 submissions from 4 submitters: Uncertain significance (1); Likely benign (2). 1 of the submissions does not count toward it. Last evaluated 2025-10-16.

Conditions:
Hereditary cancer-predisposing syndrome. Also called: Hereditary Cancer Syndrome; Neoplastic Syndromes, Hereditary; Hereditary neoplastic syndrome; Tumor predisposition. Identifiers: Orphanet 140162, MedGen C0027672, MeSH D009386, MONDO:0015356.
Breast-ovarian cancer, familial, susceptibility to, 1 (BROVCA1). Also called: BRCA1 Hereditary Breast and Ovarian Cancer; OVARIAN CANCER, SUSCEPTIBILITY TO. Identifiers: Orphanet 145, MedGen C2676676, MONDO:0011450, OMIM 604370. Disease mechanism: loss of function.

Allele frequency attached by ClinVar (database versions not stated): gnomAD exomes below 0.00001.
gnomAD v4.1: 1 of 1,614,074 alleles (0.000062%); highest among the groups gnomAD compares: East Asian, 0.0022%; no homozygotes.

Submissions (4):

Myriad Genetics, Inc.
Classification: Likely benign for Breast-ovarian cancer, familial, susceptibility to, 1. Last evaluated: 2025-10-16. Review status: criteria provided, single submitter. Criteria: Myriad Autosomal Dominant, Autosomal Recessive and X-Linked Classification Criteria (2023). Collection method: clinical testing. Allele origin: unknown.
Comment: This variant is considered likely benign. This variant is strongly associated with less severe personal and family histories of cancer, typical for individuals without pathogenic variants in this gene [PMID: 25085752].

Ambry Genetics
Classification: Uncertain significance for Hereditary cancer-predisposing syndrome. Last evaluated: 2024-07-09. Review status: criteria provided, single submitter. Criteria: Ambry Variant Classification Scheme 2023. Collection method: clinical testing. Allele origin: germline.
Comment: The p.T333I variant (also known as c.998C>T), located in coding exon 9 of the BRCA1 gene, results from a C to T substitution at nucleotide position 998. The threonine at codon 333 is replaced by isoleucine, an amino acid with similar properties. This amino acid position is not well conserved in available vertebrate species. In addition, the in silico prediction for this alteration is inconclusive. Based on the available evidence, the clinical significance of this variant remains unclear.

University of Washington Department of Laboratory Medicine, University of Washington
Classification: Likely benign for Hereditary cancer-predisposing syndrome. Last evaluated: 2023-03-23. Review status: criteria provided, single submitter. Criteria: Dines et al. (Genet Med. 2020). Collection method: curation. Allele origin: germline.
Comment: Missense variant in a coldspot region where missense variants are very unlikely to be pathogenic (PMID:31911673).

BRCA1 coldspot (exon 11 using historical exon numbering). Reclassification based on statistical prior probability

Sharing Clinical Reports Project (SCRP)
Classification: Uncertain significance for Breast-ovarian cancer, familial 1. Last evaluated: 2010-06-30. Review status: no assertion criteria provided. Collection method: clinical testing. Allele origin: germline. Not counted in ClinVar's aggregate classification.

Literature cited by the submitters: PubMed 25085752 (cited by Myriad Genetics, Inc.).